The following is an entry in ClinVar:

ClinVar aggregate classification (germline): Conflicting classifications of pathogenicity. Review status: criteria provided, conflicting classifications (1 of 4 stars). 2 submissions from 2 submitters: Pathogenic (1); Uncertain significance (1). Last evaluated 2025-09-22.

Conditions:
Charcot-Marie-Tooth disease type 2. Also called: Charcot-Marie-Tooth type 2. Identifiers: Orphanet 64746, MedGen C0270914, MONDO:0018993.

Allele frequency attached by ClinVar (database versions not stated): gnomAD exomes 0.00001; gnomAD 0.00003; TOPMed 0.00003; ExAC 0.00002; ESP Exome Variant Server 0.00008.
gnomAD v4.1: 7 of 1,614,114 alleles (0.00043%); highest among the groups gnomAD compares: Non-Finnish European, 0.00059%; no homozygotes.

Submissions (2):

Labcorp Genetics (formerly Invitae), Labcorp
Classification: Pathogenic for Charcot-Marie-Tooth disease type 2. Last evaluated: 2025-09-22. Review status: criteria provided, single submitter. Criteria: Invitae Variant Classification Sherloc (09022015). Collection method: clinical testing. Allele origin: germline.
Comment: This sequence change replaces isoleucine, which is neutral and non-polar, with methionine, which is neutral and non-polar, at codon 255 of the MFN2 protein (p.Ile255Met). This variant is present in population databases (rs376327713, gnomAD 0.004%). This missense change has been observed in individuals with Charcot-Marie-Tooth disease (internal data). It has also been observed to segregate with disease in related individuals. ClinVar contains an entry for this variant (Variation ID: 851616). Invitae Evidence Modeling of protein sequence and biophysical properties (such as structural, functional, and spatial information, amino acid conservation, physicochemical variation, residue mobility, and thermodynamic stability) indicates that this missense variant is expected to disrupt MFN2 protein function with a positive predictive value of 95%. This variant disrupts the p.Ile255 amino acid residue in MFN2. Other variant(s) that disrupt this residue have been observed in individuals with MFN2-related conditions (internal data), which suggests that this may be a clinically significant amino acid residue. For these reasons, this variant has been classified as Pathogenic.

GeneDx
Classification: Uncertain significance. Last evaluated: 2024-01-08. Review status: criteria provided, single submitter. Criteria: GeneDx Variant Classification Process June 2021. Collection method: clinical testing. Allele origin: germline. Affected: yes.
Comment: Identified in a cohort of individuals with amyotrophic lateral sclerosis; functional studies performed on the variant were unclear (Russell et al., 2021); In silico analysis supports that this missense variant has a deleterious effect on protein structure/function; This variant is associated with the following publications: (PMID: Russell2021[preprint], 24863639)

NM_014874.4(MFN2):c.765C>G (p.Ile255Met)

Gene: MFN2 (mitofusin 2; plus strand). Cytogenetic location: 1p36.22.
Variant type: single nucleotide variant.
Coding change: c.765C>G on transcript NM_014874.4 (MANE Select); coding-DNA position 765, C replaced by G.
Protein change: p.Ile255Met; replaces isoleucine 255 with methionine.
Molecular consequence: missense variant.
Genome position (GRCh38, 1-based): chr1:11,999,044, C>G. VCF-style: chr1-11999044-C-G. GRCh37 (hg19) VCF-style: chr1-12059101-C-G.
Other names: c.765C>G, p.Ile255Met (NM_001127660.2); short protein forms I255M.
Identifiers: ClinVar variation 851616 (VCV000851616.10), dbSNP rs376327713, ClinGen allele CA598917.